The following is an entry in ClinVar:

NM_004991.4(MECOM):c.1415C>A (p.Ala472Asp)

Gene: MECOM (MDS1 and EVI1 complex locus; minus strand). Cytogenetic location: 3q26.2.
Variant type: single nucleotide variant.
Coding change: c.1415C>A on transcript NM_004991.4 (MANE Select); coding-DNA position 1415, C replaced by A.
Protein change: p.Ala472Asp; replaces alanine 472 with aspartic acid.
Molecular consequence: missense variant. On other transcripts: intron variant (2).
Genome position (GRCh38, 1-based): chr3:169,116,457, G>T on the plus strand (C>A on the coding strand, the complement: MECOM is on the minus strand). VCF-style: chr3-169116457-G-T. GRCh37 (hg19) VCF-style: chr3-168834245-G-T.
Other names: c.1046C>A, p.Ala349Asp (NM_001105077.4); c.851C>A, p.Ala284Asp (NM_001105078.4, NM_001164000.2, NM_001205194.2 and 4 more transcripts); c.854C>A, p.Ala285Asp (NM_001163999.2, NM_001366467.2, NM_001366468.2 and 1 more transcripts); c.1415C>A, p.Ala472Asp (NM_001366466.2); c.1133-690C>A (NM_001366473.2); c.569-690C>A (NM_001366474.2); short protein forms A284D, A349D, A472D, A285D.
Identifiers: ClinVar variation 3871585 (VCV003871585.1).
Genomic context (GRCh38, chr3:169,116,457, plus strand): 5'-GGGAAGCTAAAAGAAAATCCAGGAGCTGTTGGAAAGGTAAGACCAGCAGGATGCCTATTG[G>T]CGCCAAAATAGTCAGCAAGGCCCGGGTTGGCATGACTCATATTAACCATGGACGTTTTAT-3'
Protein context (NP_004982.2, residues 462-482): ANPGLADYFG[Ala472Asp]NRHPAGLTFP

ClinVar aggregate classification (germline): Uncertain significance (1 of 4 stars; one submission).

Conditions:
Inborn genetic diseases. Identifiers: MedGen C0950123, MeSH D030342.

Submission:

Ambry Genetics
Classification: Uncertain significance for Inborn genetic diseases. Last evaluated: 2024-12-12. Review status: criteria provided, single submitter. Criteria: Ambry Variant Classification Scheme 2023. Collection method: clinical testing. Allele origin: germline.
Comment: The p.A472D variant (also known as c.1415C>A), located in coding exon 8 of the MECOM gene, results from a C to A substitution at nucleotide position 1415. The alanine at codon 472 is replaced by aspartic acid, an amino acid with dissimilar properties. This amino acid position is conserved. In addition, this alteration is predicted to be tolerated by in silico analysis. Based on the available evidence, the clinical significance of this variant remains unclear.